The following is an entry in ClinVar:

NM_001267550.2(TTN):c.95686G>A (p.Glu31896Lys)

Genes: TTN (titin; minus strand), TTN-AS1 (TTN antisense RNA 1; plus strand). Cytogenetic location: 2q31.2.
Variant type: single nucleotide variant.
Coding change: c.95686G>A on transcript NM_001267550.2 (MANE Select); coding-DNA position 95686, G replaced by A.
Protein change: p.Glu31896Lys; replaces glutamic acid 31896 with lysine.
Molecular consequence: missense variant.
Genome position (GRCh38, 1-based): chr2:178,545,424, C>T on the plus strand (G>A on the coding strand, the complement: TTN is on the minus strand). VCF-style: chr2-178545424-C-T. GRCh37 (hg19) VCF-style: chr2-179410151-C-T.
Other names: c.90763G>A, p.Glu30255Lys (NM_001256850.1); c.68491G>A, p.Glu22831Lys (NM_003319.4); c.87982G>A, p.Glu29328Lys (NM_133378.4); c.68866G>A, p.Glu22956Lys (NM_133432.3); c.69067G>A, p.Glu23023Lys (NM_133437.4); short protein forms E29328K, E31896K, E22831K, E30255K, E22956K, E23023K.
Identifiers: ClinVar variation 500096 (VCV000500096.9), dbSNP rs745365163, ClinGen allele CA1986903.
Genomic context (GRCh38, chr2:178,545,424, plus strand): 5'-TTATGTATGATTCTTGGAGCTCACATGATGGTTCTCTGCATGAGATGAAGTTGGAAGCTT[C>T]GCTGGGCTCACTGTTACCAGCTGCATTCACTGCGGTCACCCGGAACTGGTAATCACAACC-3'
Protein context (NP_001254479.2, residues 31886-31906): VNAAGNSEPS[Glu31896Lys]ASNFISCREP

ClinVar aggregate classification (germline): Conflicting classifications of pathogenicity. Review status: criteria provided, conflicting classifications (1 of 4 stars). 4 submissions from 4 submitters: Uncertain significance (2); Likely benign (2). Last evaluated 2024-10-17.

Allele frequency attached by ClinVar (database versions not stated): gnomAD 0.00001; TOPMed 0.00003; ExAC 0.00004; gnomAD exomes 0.00005.
gnomAD v4.1: 27 of 1,598,446 alleles (0.0017%); highest among the groups gnomAD compares: East Asian, 0.022%; 2 homozygotes.

Submissions (4):

Blueprint Genetics
Classification: Likely benign. Last evaluated: 2024-10-17. Review status: criteria provided, single submitter. Criteria: ACMG Guidelines, 2015. Collection method: clinical testing. Allele origin: germline.

Revvity Omics, Revvity
Classification: Uncertain significance. Last evaluated: 2024-05-29. Review status: criteria provided, single submitter. Criteria: ACMG Guidelines, 2015. Collection method: clinical testing. Allele origin: germline.

GeneDx
Classification: Likely benign. Last evaluated: 2021-06-08. Review status: criteria provided, single submitter. Criteria: GeneDx Variant Classification Process June 2021. Collection method: clinical testing. Allele origin: germline. Affected: yes.
Comment: See Variant Classification Assertion Criteria.

Eurofins Ntd Llc (ga)
Classification: Uncertain significance. Last evaluated: 2017-01-25. Review status: criteria provided, single submitter. Criteria: EGL Classification Definitions 2015. Collection method: clinical testing. Allele origin: germline. Observed: 1 variant allele, 1 heterozygote.